The following is an entry in ClinVar:

NM_000465.4(BARD1):c.1315-23_1315-19delinsCTCCA

Gene: BARD1 (BRCA1 associated RING domain 1; minus strand). Cytogenetic location: 2q35.
Variant type: Indel.
Coding change: c.1315-23_1315-19delinsCTCCA on transcript NM_000465.4 (MANE Select); 23 bases into the intron before coding-DNA position 1315 through 19 bases into the intron before coding-DNA position 1315, TTCCG replaced by CTCCA.
Molecular consequence: intron variant.
Genome position (GRCh38, 1-based): chr2:214,769,331-214,769,335, CGGAA replaced by TGGAG on the plus strand (TTCCG replaced by CTCCA on the coding strand, the reverse complement: BARD1 is on the minus strand). VCF-style: chr2-214769331-CGGAA-TGGAG. GRCh37 (hg19) VCF-style: chr2-215634055-CGGAA-TGGAG.
Other names: c.159-16780_159-16776delinsCTCCA (NM_001282548.2); c.1258-23_1258-19delinsCTCCA (NM_001282543.2); c.216-16780_216-16776delinsCTCCA (NM_001282545.2); c.364+22962_364+22966delinsCTCCA (NM_001282549.2).
Identifiers: ClinVar variation 3378601 (VCV003378601.1).

ClinVar aggregate classification (germline): Likely benign (1 of 4 stars; one submission).

Conditions:
Familial cancer of breast. Also called: hereditary breast carcinoma; Hereditary breast cancer; BREAST CANCER, FAMILIAL. Identifiers: Orphanet 227535, MedGen C0346153, MONDO:0016419, OMIM 114480. Disease mechanism: loss of function.

Submission:

Myriad Genetics, Inc.
Classification: Likely benign for Familial cancer of breast. Last evaluated: 2024-07-24. Review status: criteria provided, single submitter. Criteria: Myriad Autosomal Dominant, Autosomal Recessive and X-Linked Classification Criteria (2023). Collection method: clinical testing. Allele origin: unknown.
Comment: This variant is considered likely benign. This variant is intronic and is not expected to impact mRNA splicing.